The following is an entry in ClinVar:

ClinVar aggregate classification (germline): Uncertain significance. Review status: criteria provided, multiple submitters, no conflicts (2 of 4 stars). 4 submissions from 4 submitters: Uncertain significance (4). Last evaluated 2026-06-01.

Conditions:
Inborn genetic diseases. Identifiers: MedGen C0950123, MeSH D030342.
Parkinsonian-pyramidal syndrome. Also called: PALLIDOPYRAMIDAL SYNDROME; PARKINSON DISEASE 15, AUTOSOMAL RECESSIVE; PARKINSON DISEASE 15, AUTOSOMAL RECESSIVE EARLY-ONSET. Identifiers: Orphanet 171695, MedGen C1850100, MONDO:0009830, OMIM 260300.

Allele frequency attached by ClinVar (database versions not stated): ExAC 0.00008; gnomAD 0.00008; ESP Exome Variant Server 0.00015.
gnomAD v4.1: 103 of 1,614,042 alleles (0.0064%); highest among the groups gnomAD compares: South Asian, 0.035%; no homozygotes.

Submissions (4):

CeGaT Center for Human Genetics Tuebingen
Classification: Uncertain significance. Last evaluated: 2026-06-01. Review status: criteria provided, single submitter. Criteria: CeGaT Center For Human Genetics Tuebingen Variant Classification Criteria Version 2. Collection method: clinical testing. Allele origin: germline. Affected: yes. Observed: 1 variant allele.
Comment: FBXO7: PM2, BP4

Labcorp Genetics (formerly Invitae), Labcorp
Classification: Uncertain significance for Parkinsonian-pyramidal syndrome. Last evaluated: 2025-10-22. Review status: criteria provided, single submitter. Criteria: Invitae Variant Classification Sherloc (09022015). Collection method: clinical testing. Allele origin: germline.
Comment: This sequence change replaces glutamic acid, which is acidic and polar, with lysine, which is basic and polar, at codon 218 of the FBXO7 protein (p.Glu218Lys). This variant is present in population databases (rs376214763, gnomAD 0.02%). This variant has not been reported in the literature in individuals affected with FBXO7-related conditions. ClinVar contains an entry for this variant (Variation ID: 2037608). Invitae Evidence Modeling of protein sequence and biophysical properties (such as structural, functional, and spatial information, amino acid conservation, physicochemical variation, residue mobility, and thermodynamic stability) indicates that this missense variant is not expected to disrupt FBXO7 protein function with a negative predictive value of 80%. In summary, the available evidence is currently insufficient to determine the role of this variant in disease. Therefore, it has been classified as a Variant of Uncertain Significance.

GeneDx
Classification: Uncertain significance. Last evaluated: 2024-10-08. Review status: criteria provided, single submitter. Criteria: GeneDx Variant Classification Process June 2021. Collection method: clinical testing. Allele origin: germline. Affected: yes.
Comment: In silico analysis indicates that this missense variant does not alter protein structure/function; Has not been previously published as pathogenic or benign to our knowledge

Ambry Genetics
Classification: Uncertain significance for Inborn genetic diseases. Last evaluated: 2024-06-28. Review status: criteria provided, single submitter. Criteria: Ambry Variant Classification Scheme 2023. Collection method: clinical testing. Allele origin: germline.

NM_012179.4(FBXO7):c.652G>A (p.Glu218Lys)

Gene: FBXO7 (F-box protein 7; plus strand). Cytogenetic location: 22q12.3.
Variant type: single nucleotide variant.
Coding change: c.652G>A on transcript NM_012179.4 (MANE Select); coding-DNA position 652, G replaced by A.
Protein change: p.Glu218Lys; replaces glutamic acid 218 with lysine.
Molecular consequence: missense variant.
Genome position (GRCh38, 1-based): chr22:32,485,074, G>A. VCF-style: chr22-32485074-G-A. GRCh37 (hg19) VCF-style: chr22-32881061-G-A.
Other names: c.415G>A, p.Glu139Lys (NM_001033024.2); c.310G>A, p.Glu104Lys (NM_001257990.2); c.652G>A (NM_012179.3); short protein forms E104K, E218K, E139K.
Identifiers: ClinVar variation 2037608 (VCV002037608.6), dbSNP rs376214763, ClinGen allele CA10201491.
Genomic context (GRCh38, chr22:32,485,074, plus strand): 5'-TTTGAGAGTAACACCTTTCTTCATTATTTGTTTCCCTTTCATTTCGTTCCCCAGGGCACC[G>A]AAGCCAAAGCACTGTCCATGCCGGAGAAGTGGAAGTTGAGCGGGGTGTATAAGCTGCAGT-3'
Protein context (NP_036311.3, residues 208-228): LESGYIPQGT[Glu218Lys]AKALSMPEKW